The following is an entry in ClinVar:

NM_016581.5(ECSIT):c.738+6C>T

Gene: ECSIT (ECSIT signaling integrator; minus strand). Cytogenetic location: 19p13.2.
Variant type: single nucleotide variant.
Coding change: c.738+6C>T on transcript NM_016581.5 (MANE Select); 6 bases into the intron after coding-DNA position 738, C replaced by T.
Molecular consequence: intron variant.
Genome position (GRCh38, 1-based): chr19:11,513,050, G>A on the plus strand (C>T on the coding strand, the complement: ECSIT is on the minus strand). VCF-style: chr19-11513050-G-A. GRCh37 (hg19) VCF-style: chr19-11623865-G-A.
Other names: c.97-5002C>T (NM_001142465.3); c.738+6C>T (NM_001142464.3, NM_001243204.2).
Identifiers: ClinVar variation 2649334 (VCV002649334.24), dbSNP rs117557812, ClinGen allele CA9214592.

ClinVar aggregate classification (germline): Benign (1 of 4 stars; one submission).

Allele frequency attached by ClinVar (database versions not stated): 1000 Genomes Project 0.00260; 1000 Genomes Project 30x 0.00265; gnomAD 0.00600; ExAC 0.00623; TOPMed 0.00640; ESP Exome Variant Server 0.00831.

Submission:

CeGaT Center for Human Genetics Tuebingen
Classification: Benign. Last evaluated: 2024-10-01. Review status: criteria provided, single submitter. Criteria: CeGaT Center For Human Genetics Tuebingen Variant Classification Criteria Version 2. Collection method: clinical testing. Allele origin: germline. Affected: yes. Observed: 2 variant alleles.
Comment: ECSIT: BP4, BS1, BS2